The following is an entry in ClinVar:

ClinVar aggregate classification (germline): Conflicting classifications of pathogenicity. Review status: criteria provided, conflicting classifications (1 of 4 stars). 18 submissions from 18 submitters: Uncertain significance (12); Likely benign (4). 2 of the submissions do not count toward it. Last evaluated 2026-04-29.

Conditions:
ATM-related disorder. Also called: ATM-related disorders; ATM-related condition.
Breast and/or ovarian cancer. Identifiers: MedGen CN221562.
Familial pancreatic carcinoma. Identifiers: Orphanet 1333, MedGen C2931038, MONDO:0015278, OMIM 260350.
Hereditary cancer-predisposing syndrome. Also called: Tumor predisposition; Hereditary neoplastic syndrome; Hereditary Cancer Syndrome; Neoplastic Syndromes, Hereditary. Identifiers: Orphanet 140162, MedGen C0027672, MeSH D009386, MONDO:0015356.
Breast-ovarian cancer, familial, susceptibility to, 2 (BROVCA2). Also called: BRCA2 Hereditary Breast and Ovarian Cancer. Identifiers: Orphanet 145, MedGen C2675520, MONDO:0012933, OMIM 612555. Disease mechanism: loss of function.
Familial cancer of breast. Also called: Hereditary breast cancer; hereditary breast carcinoma; BREAST CANCER, FAMILIAL. Identifiers: Orphanet 227535, MedGen C0346153, MONDO:0016419, OMIM 114480. Disease mechanism: loss of function.
Ataxia-telangiectasia syndrome (AT). Also called: ATAXIA-TELANGIECTASIA, COMPLEMENTATION GROUP A; ATAXIA-TELANGIECTASIA, FRESNO VARIANT; Ataxia-telangiectasia; Ataxia-telangiectasia, complementation group D; AT, COMPLEMENTATION GROUP C; Ataxia-telangiectasia, complementation group E. Identifiers: Orphanet 100, MedGen C0004135, MONDO:0008840, OMIM 208900.

Allele frequency attached by ClinVar (database versions not stated): gnomAD 0.00001; gnomAD exomes 0.00002 and 0.00003; TOPMed 0.00003; ExAC 0.00004.
gnomAD v4.1: 34 of 1,613,870 alleles (0.0021%); highest among the groups gnomAD compares: South Asian, 0.0066%; no homozygotes.

Submissions (18):

Catlab - Consorci Sanitari de Terrassa
Classification: Uncertain significance for Hereditary cancer-predisposing syndrome. Last evaluated: 2026-04-29. Review status: criteria provided, single submitter. Criteria: Submitter's publication. Collection method: clinical testing. Allele origin: germline.
Comment: Based on the currently available information, this variant is classified as Uncertain Significance according to ClinGen-ATM v1.5 guidelines. ACMG criteria: No applicable criteria.

PreventionGenetics, part of Exact Sciences
Classification: Uncertain significance for ATM-related condition. Last evaluated: 2026-02-19. Review status: criteria provided, single submitter. Criteria: ACMG Guidelines, 2015. Collection method: clinical testing. Allele origin: germline.
Comment: The ATM c.1960C>A variant is predicted to result in the amino acid substitution p.Gln654Lys. This variant has been reported in individuals with breast, colorectal and prostate cancer (Table S4, Bhai et al. 2021. PubMed ID: 34326862; Table A2, Tung et al. 2016. PubMed ID: 26976419; Tavtigian et al. 2009. PubMed ID: 19781682; Table A4, Yurgelun et al. 2017. PubMed ID: 28135145; Table S3, Darst et al. 2021. PubMed ID: 32853339) with at least two of the individuals with breast cancer having an additional pathogenic variant in another gene. This variant is reported in 0.0065% of alleles in individuals of South Asian descent in gnomAD and has conflicting classifications listed in ClinVar ranging from uncertain to likely benign (Variation ID: 135739). At this time, the clinical significance of this variant is uncertain due to the absence of conclusive functional and genetic evidence.

Center for Genomic Medicine, Rigshospitalet, Copenhagen University Hospital
Classification: Uncertain significance. Last evaluated: 2025-12-29. Review status: criteria provided, single submitter. Criteria: ACMG Guidelines, 2015. Collection method: clinical testing. Allele origin: germline.
Comment: Classification criteria: BP4_supporting

Dipartimento Di Medicina Di Precisione, Università Degli Studi Della Campania Luigi Vanvitelli
Classification: Likely benign for Breast-ovarian cancer, familial, susceptibility to, 2. Last evaluated: 2025-07-14. Review status: criteria provided, single submitter. Criteria: ACMG Guidelines, 2015. Collection method: clinical testing. Allele origin: germline. Affected: yes. Observed: 1 heterozygote.
Comment: The ATM:c.1960C>A (p.Gln654Lys) variant is a rare missense substitution located in exon 15 of the ATM gene, involving a moderately conserved residue and situated outside the main functional domains of the protein. Bioinformatic analyses support a neutral or minimal impact on protein function.

Ambry Genetics
Classification: Likely benign for Hereditary cancer-predisposing syndrome. Last evaluated: 2025-05-30. Review status: criteria provided, single submitter. Criteria: Ambry Variant Classification Scheme 2023. Collection method: clinical testing. Allele origin: germline.

Labcorp Genetics (formerly Invitae), Labcorp
Classification: Uncertain significance for Ataxia-telangiectasia syndrome. Last evaluated: 2025-02-02. Review status: criteria provided, single submitter. Criteria: Invitae Variant Classification Sherloc (09022015). Collection method: clinical testing. Allele origin: germline.
Comment: This sequence change replaces glutamine, which is neutral and polar, with lysine, which is basic and polar, at codon 654 of the ATM protein (p.Gln654Lys). This variant is present in population databases (rs528165789, gnomAD 0.006%). This missense change has been observed in individual(s) with breast cancer and/or prostate cancer (PMID: 12362033, 19781682, 24416720, 26976419, 28135145, 32853339, 34326862). ClinVar contains an entry for this variant (Variation ID: 135739). Invitae Evidence Modeling of protein sequence and biophysical properties (such as structural, functional, and spatial information, amino acid conservation, physicochemical variation, residue mobility, and thermodynamic stability) indicates that this missense variant is not expected to disrupt ATM protein function with a negative predictive value of 95%. In summary, the available evidence is currently insufficient to determine the role of this variant in disease. Therefore, it has been classified as a Variant of Uncertain Significance.

CeGaT Center for Human Genetics Tuebingen
Classification: Uncertain significance. Last evaluated: 2025-02-01. Review status: criteria provided, single submitter. Criteria: CeGaT Center For Human Genetics Tuebingen Variant Classification Criteria Version 2. Collection method: clinical testing. Allele origin: germline. Affected: yes. Observed: 2 variant alleles.

Color Diagnostics, LLC DBA Color Health
Classification: Likely benign for Hereditary cancer-predisposing syndrome. Last evaluated: 2024-09-19. Review status: criteria provided, single submitter. Criteria: ACMG Guidelines, 2015. Collection method: clinical testing. Allele origin: germline.

Myriad Genetics, Inc.
Classification: Likely benign for Familial cancer of breast. Last evaluated: 2024-05-02. Review status: criteria provided, single submitter. Criteria: Myriad Autosomal Dominant, Autosomal Recessive and X-Linked Classification Criteria (2023). Collection method: clinical testing. Allele origin: unknown.
Comment: This variant is considered likely benign. This variant is strongly associated with less severe personal and family histories of cancer, typical for individuals without pathogenic variants in this gene [PMID: 25085752].

Blueprint Genetics
Classification: Uncertain significance. Last evaluated: 2024-04-19. Review status: criteria provided, single submitter. Criteria: ACMG Guidelines, 2015. Collection method: clinical testing. Allele origin: germline.

Baylor Genetics
Classification: Uncertain significance for Familial cancer of breast. Last evaluated: 2024-03-04. Review status: criteria provided, single submitter. Criteria: ACMG Guidelines, 2015. Collection method: clinical testing. Allele origin: unknown.

Quest Diagnostics Nichols Institute San Juan Capistrano
Classification: Uncertain significance. Last evaluated: 2023-11-17. Review status: criteria provided, single submitter. Criteria: Quest Diagnostics criteria. Collection method: clinical testing. Allele origin: unknown.

CHEO Genetics Diagnostic Laboratory, Children's Hospital of Eastern Ontario
Classification: Uncertain significance for Breast and/or ovarian cancer. Last evaluated: 2023-06-01. Review status: criteria provided, single submitter. Criteria: ACMG Guidelines, 2015. Collection method: clinical testing. Allele origin: germline.

GeneDx
Classification: Uncertain significance. Last evaluated: 2023-01-30. Review status: criteria provided, single submitter. Criteria: GeneDx Variant Classification Process June 2021. Collection method: clinical testing. Allele origin: germline. Affected: yes.
Comment: Not observed at significant frequency in large population cohorts (gnomAD); In silico analysis supports that this missense variant does not alter protein structure/function; Observed in individuals with breast cancer, prostate cancer, colon cancer, and cancer of unknown primary as well as unaffected controls (Maillet et al., 2002; Tavtigian et al., 2009; Petereit et al., 2013; Tung et al., 2016; Decker et al., 2017; Tiao et al., 2017; Yurgelun et al., 2017; Darst et al., 2021; Dorling et al., 2021); This variant is associated with the following publications: (PMID: 28135145, 28652578, 19781682, 12362033, 24416720, 26976419, 28779002, 28717660, 32853339, 33471991)

Sema4
Classification: Uncertain significance for Hereditary cancer-predisposing syndrome. Last evaluated: 2022-03-06. Review status: criteria provided, single submitter. Criteria: Sema4 Curation Guidelines. Collection method: curation. Allele origin: germline.
Comment: The ATM c.1960C>A (p.Q654K) variant has been reported in heterozygosity in multiple individuals with breast cancer (PMID: 12362033, 19781682, 26976419), colorectal cancer (PMID: 28135145), and unspecified cancer (PMID: 24416720). It has been reported in a large case-control study of breast cancer in 3/60466 cases and 3/53461 controls (PMID: 33471991). It was observed in 7/251332 chromosomes across all populations in the large and broad cohorts of the Genome Aggregation Database (PMID: 32461654). This variant has been reported in ClinVar (Variation ID 135739). Functional studies have not been performed, and in silico predictions of the variant's effect on protein function are inconclusive. The overall evidence is inconsistent with ACMG/AMP requirements for a classification of benign or pathogenic. In summary, the clinical significance of this variant is currently uncertain.

Institute for Clinical Genetics, University Hospital TU Dresden, University Hospital TU Dresden
Classification: Uncertain significance. Last evaluated: 2021-11-03. Review status: criteria provided, single submitter. Criteria: ACMG Guidelines, 2015. Collection method: clinical testing. Allele origin: germline.

Natera, Inc.
Classification: Uncertain significance for Ataxia-telangiectasia. Last evaluated: 2020-01-08. Review status: no assertion criteria provided. Collection method: clinical testing. Allele origin: germline. Not counted in ClinVar's aggregate classification.

Department of Pathology and Laboratory Medicine, Sinai Health System
Classification: Uncertain significance for Familial pancreatic carcinoma. Review status: no assertion criteria provided. Collection method: clinical testing. Allele origin: unknown. Affected: yes. Study: The Canadian Open Genetics Repository (COGR). Not counted in ClinVar's aggregate classification.
Comment: The ATM p.Gln654Lys variant was identified in 4 of 3680 proband chromosomes (frequency: 0.001) from individuals or families with breast or colon cancer and was not identified in 280 control chromosomes from healthy individuals (Maillet 2002, Petereit 2013, Tung 2016, Yurgelun 2017). The variant was also identified in dbSNP (ID: rs528165789) as "With Pathogenic, Uncertain significance allele", and in ClinVar (classified as uncertain significance by Invitae, Ambry Genetics, and GeneDx). The variant was not identified in LOVD 3.0. The variant was identified in control databases in 7 of 246108 chromosomes at a frequency of 0.00003 (Genome Aggregation Database Feb 27, 2017). The variant was observed in the following populations: European in 5 of 111600 chromosomes (freq: 0.00005), and South Asian in 2 of 30782 chromosomes (freq: 0.00007); it was not observed in the African, Other, Latino, Ashkenazi Jewish, East Asian, or Finnish populations. The p.Gln654 residue is conserved in mammals but not in more distantly related organisms however computational analyses (PolyPhen-2, SIFT, AlignGVGD, BLOSUM, MutationTaster) do not suggest a high likelihood of impact to the protein; this information is not predictive enough to rule out pathogenicity. The variant occurs outside of the splicing consensus sequence and in silico or computational prediction software programs (SpliceSiteFinder, MaxEntScan, NNSPLICE, GeneSplicer) do not predict a difference in splicing. In summary, based on the above information the clinical significance of this variant cannot be determined with certainty at this time. This variant is classified as a variant of uncertain significance.

Literature cited by the submitters: DOI 10.3390/ijms26135928 (cited by Dipartimento Di Medicina Di Precisione, Università Degli Studi Della Campania Luigi Vanvitelli); PubMed 12362033 (cited by 4 submitters); PubMed 19781682 (cited by 4 submitters); PubMed 24416720 (cited by 4 submitters); PubMed 28135145 (cited by 4 submitters); PubMed 28779002 (cited by Ambry Genetics); PubMed 26976419 (cited by 3 submitters); PubMed 32853339 (cited by Labcorp Genetics (formerly Invitae), Labcorp and Quest Diagnostics Nichols Institute San Juan Capistrano); PubMed 34326862 (cited by Labcorp Genetics (formerly Invitae), Labcorp and Quest Diagnostics Nichols Institute San Juan Capistrano); PubMed 25085752 (cited by Myriad Genetics, Inc.); PubMed 33471991 (cited by Quest Diagnostics Nichols Institute San Juan Capistrano and Sema4).

NM_000051.4(ATM):c.1960C>A (p.Gln654Lys)

Gene: ATM (ATM serine/threonine kinase; plus strand). Cytogenetic location: 11q22.3.
Variant type: single nucleotide variant.
Coding change: c.1960C>A on transcript NM_000051.4 (MANE Select); coding-DNA position 1960, C replaced by A.
Protein change: p.Gln654Lys; replaces glutamine 654 with lysine.
Molecular consequence: missense variant.
Genome position (GRCh38, 1-based): chr11:108,253,875, C>A. VCF-style: chr11-108253875-C-A. GRCh37 (hg19) VCF-style: chr11-108124602-C-A.
Other names: c.1960C>A, p.Gln654Lys (NM_001351834.2); short protein forms Q654K.
Identifiers: ClinVar variation 135739 (VCV000135739.68), dbSNP rs528165789, ClinGen allele CA192475.